The following is an entry in ClinVar:

NM_006012.4(CLPP):c.399C>T (p.Tyr133=)

Gene: CLPP (caseinolytic mitochondrial matrix peptidase proteolytic subunit; plus strand). Cytogenetic location: 19p13.3.
Variant type: single nucleotide variant.
Coding change: c.399C>T on transcript NM_006012.4 (MANE Select); coding-DNA position 399, C replaced by T.
Protein change: p.Tyr133=; no amino-acid change (tyrosine 133 retained).
Molecular consequence: synonymous variant.
Genome position (GRCh38, 1-based): chr19:6,364,483, C>T. VCF-style: chr19-6364483-C-T. GRCh37 (hg19) VCF-style: chr19-6364494-C-T.
Other names: p.Tyr133=.
Identifiers: ClinVar variation 769951 (VCV000769951.18), dbSNP rs140025832, ClinGen allele CA9122913.

ClinVar aggregate classification (germline): Benign/Likely benign. Review status: criteria provided, multiple submitters, no conflicts (2 of 4 stars). 5 submissions from 5 submitters: Benign (1); Likely benign (4). Last evaluated 2025-12-17.

Allele frequency attached by ClinVar (database versions not stated): gnomAD exomes 0.00016 and 0.00033; ExAC 0.00047; gnomAD 0.00093 and 0.00096; ESP Exome Variant Server 0.00115; TOPMed 0.00115; 1000 Genomes Project 0.00140; 1000 Genomes Project 30x 0.00187.

Submissions (5):

Labcorp Genetics (formerly Invitae), Labcorp
Classification: Benign. Last evaluated: 2025-12-17. Review status: criteria provided, single submitter. Criteria: Invitae Variant Classification Sherloc (09022015). Collection method: clinical testing. Allele origin: germline.

Mayo Clinic Laboratories, Mayo Clinic
Classification: Likely benign. Last evaluated: 2025-06-04. Review status: criteria provided, single submitter. Criteria: ACMG Guidelines, 2015. Collection method: clinical testing. Allele origin: germline. Observed: 1 variant allele.
Comment: BS1, BP4, BP7

Blueprint Genetics
Classification: Likely benign. Last evaluated: 2024-10-15. Review status: criteria provided, single submitter. Criteria: ACMG Guidelines, 2015. Collection method: clinical testing. Allele origin: germline.

GeneDx
Classification: Likely benign. Last evaluated: 2021-06-16. Review status: criteria provided, single submitter. Criteria: GeneDx Variant Classification Process June 2021. Collection method: clinical testing. Allele origin: germline. Affected: yes.

Laboratory for Molecular Medicine, Mass General Brigham Personalized Medicine
Classification: Likely benign. Last evaluated: 2014-11-24. Review status: criteria provided, single submitter. Criteria: LMM Criteria. Collection method: clinical testing. Allele origin: germline. Observed: 1 variant allele.
Comment: Tyr133Tyr in exon 4 of CLPP: This variant is not expected to have clinical significance because it does not alter an amino acid residue and is not located within the splice consensus sequence. It has been identified in 0.3% (14/4404) of African American chromosomes from a broad population by the NHLBI Exome Sequencing Project (dbSNP rs140025832).